The following is an entry in ClinVar:

NM_198578.4(LRRK2):c.2500+5_2500+8del

Gene: LRRK2 (leucine rich repeat kinase 2; plus strand). Cytogenetic location: 12q12.
Variant type: Microsatellite.
Coding change: c.2500+5_2500+8del on transcript NM_198578.4 (MANE Select); bases 5 to 8 of the intron after coding-DNA position 2500, 4 bases deleted (GTAA; older notation c.2500+5_2500+8delGTAA).
Molecular consequence: splice donor variant.
Genome position (GRCh38, 1-based): chr12:40,284,138-40,284,141, GTAA deleted; deleting any 4 consecutive bases within chr12:40,284,132-40,284,141 gives the same sequence; the c. name uses the placement nearest the transcript's 3' end. VCF-style (leftmost placement, unchanged base first): chr12-40284131-CAAGT-C. GRCh37 (hg19) VCF-style: chr12-40677933-CAAGT-C.
Identifiers: ClinVar variation 1375165 (VCV001375165.6), dbSNP rs753165266, ClinGen allele CA6513643.

ClinVar aggregate classification (germline): Uncertain significance (1 of 4 stars; one submission).

Conditions:
Autosomal dominant Parkinson disease 8. Also called: LRRK2-Related Parkinson Disease; Parkinson disease 8; Parkinson disease 8, susceptibility to. Identifiers: Orphanet 411602, MedGen C1846862, MONDO:0011764, OMIM 607060.

Submission:

Labcorp Genetics (formerly Invitae), Labcorp
Classification: Uncertain significance for Autosomal dominant Parkinson disease 8. Last evaluated: 2021-10-14. Review status: criteria provided, single submitter. Criteria: Invitae Variant Classification Sherloc (09022015). Collection method: clinical testing. Allele origin: germline.
Comment: In summary, the available evidence is currently insufficient to determine the role of this variant in disease. Therefore, it has been classified as a Variant of Uncertain Significance. Nucleotide substitutions within the consensus splice site are a relatively common cause of aberrant splicing (PMID: 17576681, 9536098). Studies have shown that this variant is associated with altered splicing, but the impact on the resulting protein product is unknown (PMID: 17622782). This variant has been observed in individual(s) with Parkinson disease (PMID: 17622782). This variant is present in population databases (rs753165266, ExAC 0.002%). This sequence change falls in intron 19 of the LRRK2 gene. It does not directly change the encoded amino acid sequence of the LRRK2 protein. It affects a nucleotide within the consensus splice site of the intron.

Literature cited by the submitters: PubMed 17576681; PubMed 9536098; PubMed 17622782.